The following is an entry in ClinVar:

ClinVar aggregate classification (germline): Pathogenic (1 of 4 stars; one submission).

gnomAD v4.1: 2 of 1,614,032 alleles (0.00012%); highest among the groups gnomAD compares: Non-Finnish European, 0.00017%; no homozygotes.

Submission:

Labcorp Genetics (formerly Invitae), Labcorp
Classification: Pathogenic. Last evaluated: 2022-08-03. Review status: criteria provided, single submitter. Criteria: Invitae Variant Classification Sherloc (09022015). Collection method: clinical testing. Allele origin: germline.
Comment: This sequence change creates a premature translational stop signal (p.Trp2644*) in the USH2A gene. It is expected to result in an absent or disrupted protein product. Loss-of-function variants in USH2A are known to be pathogenic (PMID: 10729113, 10909849, 20507924, 25649381). This variant is not present in population databases (gnomAD no frequency). This premature translational stop signal has been observed in individual(s) with Usher syndrome (PMID: 24944099). For these reasons, this variant has been classified as Pathogenic.

Literature cited by the submitters: PubMed 10729113; PubMed 10909849; PubMed 20507924; PubMed 25649381; PubMed 24944099.

NM_206933.4(USH2A):c.7931G>A (p.Trp2644Ter)

Gene: USH2A (usherin; minus strand). Cytogenetic location: 1q41.
Variant type: single nucleotide variant.
Coding change: c.7931G>A on transcript NM_206933.4 (MANE Select); coding-DNA position 7931, G replaced by A.
Protein change: p.Trp2644Ter; replaces tryptophan 2644 with a stop codon.
Molecular consequence: nonsense.
Genome position (GRCh38, 1-based): chr1:215,888,718, C>T on the plus strand (G>A on the coding strand, the complement: USH2A is on the minus strand). VCF-style: chr1-215888718-C-T. GRCh37 (hg19) VCF-style: chr1-216062060-C-T.
Other names: short protein forms W2644*.
Identifiers: ClinVar variation 2202953 (VCV002202953.4), dbSNP rs2464749701, ClinGen allele CA344839429.
Genomic context (GRCh38, chr1:215,888,718, plus strand): 5'-TTGACTCTTCTCTCAATTGTGAAATTCTCCACCAAGCCATTGGGGTGGGTAGGGGGTTGC[C>T]AAGATATAATCACAGATGTTGGAGTATCAGAGAACAGCTCTGGACTTGGGATCCCTTCCG-3'